The following is an entry in ClinVar:

ClinVar aggregate classification (germline): Pathogenic (1 of 4 stars; one submission).

Submission:

GeneDx
Classification: Pathogenic. Last evaluated: 2026-01-14. Review status: criteria provided, single submitter. Criteria: GeneDx Variant Classification Process June 2021. Collection method: clinical testing. Allele origin: germline.
Comment: Frameshift variant predicted to result in protein truncation or nonsense mediated decay in a gene for which loss of function is a known mechanism of disease; Not observed at significant frequency in large population cohorts (gnomAD); Has not been previously published as pathogenic or benign to our knowledge

NM_016239.4(MYO15A):c.2055delinsCC (p.Gly686fs)

Gene: MYO15A (myosin XVA; plus strand). Cytogenetic location: 17p11.2.
Variant type: Indel.
Coding change: c.2055delinsCC on transcript NM_016239.4 (MANE Select); coding-DNA position 2055, G replaced by CC.
Protein change: p.Gly686fs; shifts the reading frame from glycine 686.
Molecular consequence: frameshift variant.
Genome position (GRCh38, 1-based): chr17:18,120,855, G replaced by CC. VCF-style: chr17-18120855-G-CC. GRCh37 (hg19) VCF-style: chr17-18024169-G-CC.
Other names: short protein forms G686fs.
Identifiers: ClinVar variation 4686131 (VCV004686131.2).
Genomic context (GRCh38, chr17:18,120,855, plus strand): 5'-GCCCCCGCGGCCCCCAAGCTCCGGGCCCCCGCCCGCGCCGCCGCTCTCCCCGGCGCTCTC[G>CC]GGCCTGCCCCGGCCGGCCTCGCCCTACGGCTCCCTCCGCCGCCACCCGCCGCCCTGGGCC-3'